The following is an entry in ClinVar:

ClinVar aggregate classification (germline): Likely benign. Review status: criteria provided, multiple submitters, no conflicts (2 of 4 stars). 3 submissions from 3 submitters: Likely benign (2). 1 of the submissions does not count toward it. Last evaluated 2025-10-01.

Conditions:
Short-rib thoracic dysplasia 13 with or without polydactyly (SRTD13). Identifiers: Orphanet 474, MedGen C4225378, MONDO:0014577, OMIM 616300.
CEP120-related disorder. Also called: CEP120-related condition; CEP120-Related Disorders.

Allele frequency attached by ClinVar (database versions not stated): TOPMed 0.00004; ExAC 0.00005; gnomAD 0.00005.
gnomAD v4.1: 43 of 1,606,894 alleles (0.0027%); highest among the groups gnomAD compares: Middle Eastern, 0.018%; no homozygotes.

Submissions (3):

Labcorp Genetics (formerly Invitae), Labcorp
Classification: Likely benign for Short-rib thoracic dysplasia 13 with or without polydactyly. Last evaluated: 2025-10-01. Review status: criteria provided, single submitter. Criteria: Invitae Variant Classification Sherloc (09022015). Collection method: clinical testing. Allele origin: germline.

Laboratory of Genetics, Children's Clinical University Hospital Latvia
Classification: Likely benign. Last evaluated: 2025-02-16. Review status: criteria provided, single submitter. Criteria: ACMG Guidelines, 2015. Collection method: clinical testing. Allele origin: germline. Affected: yes.

PreventionGenetics, part of Exact Sciences
Classification: Likely benign for CEP120-related condition. Last evaluated: 2024-06-10. Review status: no assertion criteria provided. Collection method: clinical testing. Allele origin: germline. Not counted in ClinVar's aggregate classification.
Comment: This variant is classified as likely benign based on ACMG/AMP sequence variant interpretation guidelines (Richards et al. 2015 PMID: 25741868, with internal and published modifications).

NM_001375405.1(CEP120):c.1581-6C>T

Gene: CEP120 (centrosomal protein 120; minus strand). Cytogenetic location: 5q23.2.
Variant type: single nucleotide variant.
Coding change: c.1581-6C>T on transcript NM_001375405.1 (MANE Select); 6 bases into the intron before coding-DNA position 1581, C replaced by T.
Molecular consequence: intron variant.
Genome position (GRCh38, 1-based): chr5:123,385,139, G>A on the plus strand (C>T on the coding strand, the complement: CEP120 is on the minus strand). VCF-style: chr5-123385139-G-A. GRCh37 (hg19) VCF-style: chr5-122720833-G-A.
Other names: c.1503-6C>T (NM_001166226.2); c.1581-6C>T (NM_153223.4, NM_001375407.1, NM_153223.3); c.1008-6C>T (NM_001375408.1, NM_001375409.1); c.1446-6C>T (NM_001375406.1).
Identifiers: ClinVar variation 2058689 (VCV002058689.6), dbSNP rs765441006, ClinGen allele CA3386916.